The following is an entry in ClinVar:

ClinVar aggregate classification (germline): Benign/Likely benign. Review status: criteria provided, multiple submitters, no conflicts (2 of 4 stars). 8 submissions from 7 submitters: Benign (5); Likely benign (3). Last evaluated 2026-02-02.

Conditions:
Autoinflammatory syndrome. Identifiers: Orphanet 93665, MedGen C3890737, MONDO:0019751.
Blau syndrome (BLAUS). Also called: GRANULOMATOSIS, FAMILIAL JUVENILE SYSTEMIC; GRANULOMATOSIS, FAMILIAL, BLAU TYPE; GRANULOMATOUS INFLAMMATORY ARTHRITIS, DERMATITIS, AND UVEITIS, FAMILIAL; ARTHROCUTANEOUVEAL GRANULOMATOSIS; JABS SYNDROME. Identifiers: Orphanet 90340, MedGen C5201146, MONDO:0008523, OMIM 186580.
Regional enteritis. Also called: Enteritis, Granulomatous. Identifiers: MedGen C0678202, MeSH D003424.
Inflammatory bowel disease 1 (IBD1). Also called: Inflammatory bowel disease 1, Crohn disease; INFLAMMATORY BOWEL DISEASE (CROHN DISEASE) 1. Identifiers: MedGen CN260071, MONDO:0009960, OMIM 266600.

Allele frequency attached by ClinVar (database versions not stated): gnomAD exomes 0.00060 and 0.00174; ExAC 0.00199; gnomAD 0.00676 and 0.00726; 1000 Genomes Project 0.00699; ESP Exome Variant Server 0.00716; TOPMed 0.00805; 1000 Genomes Project 30x 0.00812.
gnomAD v4.1: 1,936 of 1,613,572 alleles (0.12%); highest among the groups gnomAD compares: African/African-American, 2.3%; 17 homozygotes.

Submissions (8):

Labcorp Genetics (formerly Invitae), Labcorp
Classification: Benign for Regional enteritis; Blau syndrome. Last evaluated: 2026-02-02. Review status: criteria provided, single submitter. Criteria: Invitae Variant Classification Sherloc (09022015). Collection method: clinical testing. Allele origin: germline.

Women's Health and Genetics/Laboratory Corporation of America, LabCorp
Classification: Likely benign. Last evaluated: 2026-01-23. Review status: criteria provided, single submitter. Criteria: LabCorp Variant Classification Summary - May 2015. Collection method: clinical testing. Allele origin: germline.

ARUP Laboratories, Molecular Genetics and Genomics, ARUP Laboratories
Classification: Benign. Last evaluated: 2025-06-02. Review status: criteria provided, single submitter. Criteria: ARUP Molecular Germline Variant Investigation Process 2024. Collection method: clinical testing. Allele origin: germline.

Blueprint Genetics
Classification: Likely benign. Last evaluated: 2024-11-25. Review status: criteria provided, single submitter. Criteria: ACMG Guidelines, 2015. Collection method: clinical testing. Allele origin: germline.

Genome Diagnostics Laboratory, The Hospital for Sick Children
Classification: Likely benign for Autoinflammatory syndrome. Last evaluated: 2022-04-04. Review status: criteria provided, single submitter. Criteria: ACMG Guidelines, 2015. Collection method: clinical testing. Allele origin: germline. Affected: yes.

Illumina Laboratory Services, Illumina
Classification: Benign for Inflammatory bowel disease 1. Last evaluated: 2017-10-18. Review status: criteria provided, single submitter. Criteria: ICSL Variant Classification Criteria 13 December 2019. Collection method: clinical testing. Allele origin: germline.
Comment: This variant was observed as part of a predisposition screen in an ostensibly healthy population. A literature search was performed for the gene, cDNA change, and amino acid change (where applicable). Publications were found based on this search. The evidence from the literature, in combination with allele frequency data from public databases where available, was sufficient to rule this variant out of causing disease. Therefore, this variant is classified as benign.

Illumina Laboratory Services, Illumina
Classification: Benign for Blau syndrome. Last evaluated: 2017-10-18. Review status: criteria provided, single submitter. Criteria: ICSL Variant Classification Criteria 13 December 2019. Collection method: clinical testing. Allele origin: germline.
Comment: the same text as in the submission from Illumina Laboratory Services, Illumina above.

Breakthrough Genomics
Classification: Benign. Review status: criteria provided, single submitter. Criteria: ACMG Guidelines, 2015. Collection method: not provided. Allele origin: germline. Inheritance: Multifactorial inheritance. Affected: yes.

Literature cited by the submitters: PubMed 24583628 (cited by Illumina Laboratory Services, Illumina); PubMed 11875755 (cited by Illumina Laboratory Services, Illumina); PubMed 15044951 (cited by Illumina Laboratory Services, Illumina); PubMed 24391456 (cited by Illumina Laboratory Services, Illumina); PubMed 28814775 (cited by Illumina Laboratory Services, Illumina); PubMed 18419343 (cited by Illumina Laboratory Services, Illumina).

NM_001370466.1(NOD2):c.337G>A (p.Ala113Thr)

Gene: NOD2 (nucleotide binding oligomerization domain containing 2; plus strand). Cytogenetic location: 16q12.1.
Variant type: single nucleotide variant.
Coding change: c.337G>A on transcript NM_001370466.1 (MANE Select); coding-DNA position 337, G replaced by A.
Protein change: p.Ala113Thr; replaces alanine 113 with threonine.
Molecular consequence: missense variant. On other transcripts: non-coding transcript variant (1).
Genome position (GRCh38, 1-based): chr16:50,699,832, G>A. VCF-style: chr16-50699832-G-A. GRCh37 (hg19) VCF-style: chr16-50733743-G-A.
Other names: c.337G>A, p.Ala113Thr (NM_001293557.2); c.418G>A, p.Ala140Thr (NM_022162.3); short protein forms A140T, A113T.
Identifiers: ClinVar variation 462700 (VCV000462700.32), dbSNP rs34684955, ClinGen allele CA8051275.